The following is an entry in ClinVar:

ClinVar aggregate classification (germline): Uncertain significance (1 of 4 stars; one submission).

Conditions:
Combined immunodeficiency due to MALT1 deficiency. Also called: Immunodeficiency 12. Identifiers: Orphanet 397964, MedGen C3809583, MONDO:0014197, OMIM 615468.

Allele frequency attached by ClinVar (database versions not stated): gnomAD exomes below 0.00001; gnomAD 0.00001.
gnomAD v4.1: 12 of 1,596,178 alleles (0.00075%); highest among the groups gnomAD compares: Non-Finnish European, 0.001%; no homozygotes.

Submission:

Labcorp Genetics (formerly Invitae), Labcorp
Classification: Uncertain significance for Combined immunodeficiency due to MALT1 deficiency. Last evaluated: 2020-08-14. Review status: criteria provided, single submitter. Criteria: Invitae Variant Classification Sherloc (09022015). Collection method: clinical testing. Allele origin: germline.
Comment: This sequence change falls in intron 9 of the MALT1 gene. It does not directly change the encoded amino acid sequence of the MALT1 protein, but it affects a nucleotide within the consensus splice site of the intron. This variant is not present in population databases (ExAC no frequency). This variant has not been reported in the literature in individuals with MALT1-related conditions. Nucleotide substitutions within the consensus splice site are a relatively common cause of aberrant splicing (PMID: 17576681, 9536098). Algorithms developed to predict the effect of sequence changes on RNA splicing suggest that this variant may disrupt the consensus splice site, but this prediction has not been confirmed by published transcriptional studies. In summary, the available evidence is currently insufficient to determine the role of this variant in disease. Therefore, it has been classified as a Variant of Uncertain Significance.

Literature cited by the submitters: PubMed 17576681; PubMed 9536098.

NM_006785.4(MALT1):c.1018+6T>G

Gene: MALT1 (MALT1 paracaspase; plus strand). Cytogenetic location: 18q21.32.
Variant type: single nucleotide variant.
Coding change: c.1018+6T>G on transcript NM_006785.4 (MANE Select); 6 bases into the intron after coding-DNA position 1018, T replaced by G.
Molecular consequence: intron variant.
Genome position (GRCh38, 1-based): chr18:58,715,973, T>G. VCF-style: chr18-58715973-T-G. GRCh37 (hg19) VCF-style: chr18-56383205-T-G.
Other names: c.985+6T>G (NM_173844.3).
Identifiers: ClinVar variation 1008126 (VCV001008126.4), dbSNP rs1422799994, ClinGen allele CA504050173.